The following is an entry in ClinVar:

NM_144701.3(IL23R):c.742A>G (p.Ile248Val)

Gene: IL23R (interleukin 23 receptor; plus strand). Cytogenetic location: 1p31.3.
Variant type: single nucleotide variant.
Coding change: c.742A>G on transcript NM_144701.3 (MANE Select); coding-DNA position 742, A replaced by G.
Protein change: p.Ile248Val; replaces isoleucine 248 with valine.
Molecular consequence: missense variant.
Genome position (GRCh38, 1-based): chr1:67,206,999, A>G. VCF-style: chr1-67206999-A-G. GRCh37 (hg19) VCF-style: chr1-67672682-A-G.
Other names: short protein forms I248V.
Identifiers: ClinVar variation 1063442 (VCV001063442.9), dbSNP rs2102637504, ClinGen allele CA340728378.

ClinVar aggregate classification (germline): Uncertain significance (1 of 4 stars; one submission).

Allele frequency attached by ClinVar (database versions not stated): gnomAD exomes below 0.00001.
gnomAD v4.1: 6 of 1,613,786 alleles (0.00037%); highest among the groups gnomAD compares: South Asian, 0.0011%; no homozygotes.

Submission:

Labcorp Genetics (formerly Invitae), Labcorp
Classification: Uncertain significance. Last evaluated: 2020-10-09. Review status: criteria provided, single submitter. Criteria: Invitae Variant Classification Sherloc (09022015). Collection method: clinical testing. Allele origin: germline.
Comment: This sequence change replaces isoleucine with valine at codon 248 of the IL23R protein (p.Ile248Val). The isoleucine residue is moderately conserved and there is a small physicochemical difference between isoleucine and valine. This variant is not present in population databases (ExAC no frequency). This variant has not been reported in the literature in individuals with IL23R-related conditions. Algorithms developed to predict the effect of missense changes on protein structure and function (SIFT, PolyPhen-2, Align-GVGD) all suggest that this variant is likely to be tolerated, but these predictions have not been confirmed by published functional studies and their clinical significance is uncertain. In summary, the available evidence is currently insufficient to determine the role of this variant in disease. Therefore, it has been classified as a Variant of Uncertain Significance.